The following is an entry in ClinVar:

ClinVar aggregate classification (germline): Uncertain significance (1 of 4 stars; one submission).

Conditions:
Charcot-Marie-Tooth disease, type I (CMT1). Also called: Charcot-Marie-Tooth disease type 1; Charcot-Marie-Tooth, Type 1. Identifiers: Orphanet 65753, MedGen C0751036, MONDO:0019011.

gnomAD v4.1: 1 of 1,614,258 alleles (0.000062%); highest among the groups gnomAD compares: Non-Finnish European, 0.000085%; no homozygotes.

Submission:

Labcorp Genetics (formerly Invitae), Labcorp
Classification: Uncertain significance for Charcot-Marie-Tooth disease, type I. Last evaluated: 2024-10-06. Review status: criteria provided, single submitter. Criteria: Invitae Variant Classification Sherloc (09022015). Collection method: clinical testing. Allele origin: germline.
Comment: This sequence change falls in intron 4 of the PMP22 gene. It does not directly change the encoded amino acid sequence of the PMP22 protein. It affects a nucleotide within the consensus splice site. This variant is not present in population databases (gnomAD no frequency). This variant has not been reported in the literature in individuals affected with PMP22-related conditions. Variants that disrupt the consensus splice site are a relatively common cause of aberrant splicing (PMID: 17576681, 9536098). Algorithms developed to predict the effect of sequence changes on RNA splicing suggest that this variant may disrupt the consensus splice site. In summary, the available evidence is currently insufficient to determine the role of this variant in disease. Therefore, it has been classified as a Variant of Uncertain Significance.

Literature cited by the submitters: PubMed 17576681; PubMed 9536098.

NM_000304.4(PMP22):c.319+5G>A

Gene: PMP22 (peripheral myelin protein 22; minus strand). Cytogenetic location: 17p12.
Variant type: single nucleotide variant.
Coding change: c.319+5G>A on transcript NM_000304.4 (MANE Select); 5 bases into the intron after coding-DNA position 319, G replaced by A.
Molecular consequence: intron variant.
Genome position (GRCh38, 1-based): chr17:15,239,466, C>T on the plus strand (G>A on the coding strand, the complement: PMP22 is on the minus strand). VCF-style: chr17-15239466-C-T. GRCh37 (hg19) VCF-style: chr17-15142783-C-T.
Other names: c.319+5G>A (NM_001281456.2, NM_153321.3, NM_001281455.2 and 2 more transcripts).
Identifiers: ClinVar variation 3722339 (VCV003722339.2).